The following is an entry in ClinVar:

NM_004415.4(DSP):c.6689C>G (p.Pro2230Arg)

Gene: DSP (desmoplakin; plus strand). Cytogenetic location: 6p24.3.
Variant type: single nucleotide variant.
Coding change: c.6689C>G on transcript NM_004415.4 (MANE Select); coding-DNA position 6689, C replaced by G.
Protein change: p.Pro2230Arg; replaces proline 2230 with arginine.
Molecular consequence: missense variant.
Genome position (GRCh38, 1-based): chr6:7,583,951, C>G. VCF-style: chr6-7583951-C-G. GRCh37 (hg19) VCF-style: chr6-7584184-C-G.
Other names: c.4892C>G, p.Pro1631Arg (NM_001008844.3); c.5360C>G, p.Pro1787Arg (NM_001319034.2); short protein forms P1787R, P2230R, P1631R.
Identifiers: ClinVar variation 4015118 (VCV004015118.2).

ClinVar aggregate classification (germline): Uncertain significance (1 of 4 stars; one submission).

Conditions:
Cardiovascular phenotype. Identifiers: MedGen CN230736.

Submission:

Ambry Genetics
Classification: Uncertain significance for Cardiovascular phenotype. Last evaluated: 2026-09-11. Review status: criteria provided, single submitter. Criteria: Ambry Variant Classification Scheme 2023. Collection method: clinical testing. Allele origin: germline.
Comment: The p.P2230R variant (also known as c.6689C>G), located in coding exon 24 of the DSP gene, results from a C to G substitution at nucleotide position 6689. The proline at codon 2230 is replaced by arginine, an amino acid with dissimilar properties. This amino acid position is conserved. In addition, this alteration is predicted to be tolerated by in silico analysis. Based on the available evidence, the clinical significance of this variant remains unclear.